The following is an entry in ClinVar:

NM_001332.4(CTNND2):c.671C>T (p.Pro224Leu)

Gene: CTNND2 (catenin delta 2; minus strand). Cytogenetic location: 5p15.2.
Variant type: single nucleotide variant.
Coding change: c.671C>T on transcript NM_001332.4 (MANE Select); coding-DNA position 671, C replaced by T.
Protein change: p.Pro224Leu; replaces proline 224 with leucine.
Molecular consequence: missense variant. On other transcripts: intron variant (3).
Genome position (GRCh38, 1-based): chr5:11,385,171, G>A on the plus strand (C>T on the coding strand, the complement: CTNND2 is on the minus strand). VCF-style: chr5-11385171-G-A. GRCh37 (hg19) VCF-style: chr5-11385283-G-A.
Other names: c.398C>T, p.Pro133Leu (NM_001288715.1); c.-123+11860C>T (NM_001288717.2); c.167-20281C>T (NM_001364128.2, NM_001288716.1); short protein forms P224L, P133L.
Identifiers: ClinVar variation 430945 (VCV000430945.28), dbSNP rs769623284, ClinGen allele CA114394865.

ClinVar aggregate classification (germline): Benign/Likely benign. Review status: criteria provided, multiple submitters, no conflicts (2 of 4 stars). 3 submissions from 3 submitters: Benign (1); Likely benign (2). Last evaluated 2023-04-27.

Allele frequency attached by ClinVar (database versions not stated): gnomAD 0.00032; TOPMed 0.00055; gnomAD exomes 0.00058.
gnomAD v4.1: 570 of 1,029,300 alleles (0.055%); highest among the groups gnomAD compares: Non-Finnish European, 0.063%; no homozygotes.

Submissions (3):

HudsonAlpha Institute for Biotechnology
Classification: Benign. Last evaluated: 2023-04-27. Review status: criteria provided, single submitter. Criteria: HA_assertions_20150911. Collection method: research. Allele origin: unknown. Inheritance: Autosomal dominant inheritance. Affected: yes. Observed: 1 variant allele. Study: CSER-HudsonAlpha.

CeGaT Center for Human Genetics Tuebingen
Classification: Likely benign. Last evaluated: 2022-07-01. Review status: criteria provided, single submitter. Criteria: CeGaT Center For Human Genetics Tuebingen Variant Classification Criteria Version 2. Collection method: clinical testing. Allele origin: germline. Affected: yes. Observed: 1 variant allele.
Comment: CTNND2: BS1

GeneDx
Classification: Likely benign. Last evaluated: 2020-01-13. Review status: criteria provided, single submitter. Criteria: GeneDx Variant Classification Process June 2021. Collection method: clinical testing. Allele origin: germline. Affected: yes.
Comment: This variant is associated with the following publications: (PMID: 25807484, 27380241)